The following is an entry in ClinVar:

NM_020708.5(SLC12A5):c.941C>T (p.Thr314Ile)

Gene: SLC12A5 (solute carrier family 12 member 5; plus strand). Cytogenetic location: 20q13.12.
Variant type: single nucleotide variant.
Coding change: c.941C>T on transcript NM_020708.5 (MANE Select); coding-DNA position 941, C replaced by T.
Protein change: p.Thr314Ile; replaces threonine 314 with isoleucine.
Molecular consequence: missense variant.
Genome position (GRCh38, 1-based): chr20:46,041,415, C>T. VCF-style: chr20-46041415-C-T. GRCh37 (hg19) VCF-style: chr20-44670054-C-T.
Other names: c.1010C>T, p.Thr337Ile (NM_001134771.2); short protein forms T314I, T337I.
Identifiers: ClinVar variation 2092522 (VCV002092522.4), dbSNP rs1379213711, ClinGen allele CA409190337.

ClinVar aggregate classification (germline): Uncertain significance (1 of 4 stars; one submission).

Conditions:
Developmental and epileptic encephalopathy, 34 (DEE34). Also called: SLC12A5-Related Epilepsy of Infancy with Migrating Focal Seizures; Early infantile epileptic encephalopathy 34. Identifiers: Orphanet 293181, MedGen C4225257, MONDO:0014718, OMIM 616645.

Allele frequency attached by ClinVar (database versions not stated): gnomAD exomes below 0.00001.
gnomAD v4.1: 1 of 1,614,132 alleles (0.000062%); highest among the groups gnomAD compares: South Asian, 0.0011%; no homozygotes.

Submission:

Labcorp Genetics (formerly Invitae), Labcorp
Classification: Uncertain significance for Developmental and epileptic encephalopathy, 34. Last evaluated: 2022-02-03. Review status: criteria provided, single submitter. Criteria: Invitae Variant Classification Sherloc (09022015). Collection method: clinical testing. Allele origin: germline.
Comment: In summary, the available evidence is currently insufficient to determine the role of this variant in disease. Therefore, it has been classified as a Variant of Uncertain Significance. Algorithms developed to predict the effect of missense changes on protein structure and function (SIFT, PolyPhen-2, Align-GVGD) all suggest that this variant is likely to be tolerated. This variant has not been reported in the literature in individuals affected with SLC12A5-related conditions. This variant is not present in population databases (gnomAD no frequency). This sequence change replaces threonine, which is neutral and polar, with isoleucine, which is neutral and non-polar, at codon 314 of the SLC12A5 protein (p.Thr314Ile).